The following is an entry in ClinVar:

NM_000338.3(SLC12A1):c.724+1G>A

Gene: SLC12A1 (solute carrier family 12 member 1; plus strand). Cytogenetic location: 15q21.1.
Variant type: single nucleotide variant.
Coding change: c.724+1G>A on transcript NM_000338.3 (MANE Select); the canonical splice donor site of the intron after coding-DNA position 724, G replaced by A.
Molecular consequence: splice donor variant. On other transcripts: intron variant (2).
Genome position (GRCh38, 1-based): chr15:48,226,572, G>A. VCF-style: chr15-48226572-G-A. GRCh37 (hg19) VCF-style: chr15-48518769-G-A.
Other names: c.724+625G>A (NM_001384136.1); c.629-507G>A (NM_001184832.2).
Identifiers: ClinVar variation 2736213 (VCV002736213.3), dbSNP rs2505034797, ClinGen allele CA392305709.
Genomic context (GRCh38, chr15:48,226,572, plus strand): 5'-TAACTTCTATTACTGGGTTGTCAACTTCTGCGATAGCAACTAACGGGTTTGTTCGTGGAG[G>A]TAAAATCTCTAAGATATCTAATGCCCTCATCACTTGCTACGGGTAGGCGAACAATTTTTT-3'

ClinVar aggregate classification (germline): Likely pathogenic (1 of 4 stars; one submission).

Submission:

Labcorp Genetics (formerly Invitae), Labcorp
Classification: Likely pathogenic. Last evaluated: 2023-10-19. Review status: criteria provided, single submitter. Criteria: Invitae Variant Classification Sherloc (09022015). Collection method: clinical testing. Allele origin: germline.
Comment: This sequence change affects a donor splice site in intron 5 of the SLC12A1 gene. It is expected to disrupt RNA splicing. Variants that disrupt the donor or acceptor splice site typically lead to a loss of protein function (PMID: 16199547), and loss-of-function variants in SLC12A1 are known to be pathogenic (PMID: 8640224, 9585600, 19096086). This variant is not present in population databases (gnomAD no frequency). Disruption of this splice site has been observed in individual(s) with Bartter syndrome type 1 (PMID: 20810575). Algorithms developed to predict the effect of sequence changes on RNA splicing suggest that this variant may disrupt the consensus splice site. In summary, the currently available evidence indicates that the variant is pathogenic, but additional data are needed to prove that conclusively. Therefore, this variant has been classified as Likely Pathogenic.

Literature cited by the submitters: PubMed 16199547; PubMed 8640224; PubMed 9585600; PubMed 19096086; PubMed 20810575.